The following is an entry in ClinVar:

ClinVar aggregate classification (germline): Uncertain significance (1 of 4 stars; one submission).

Submission:

Labcorp Genetics (formerly Invitae), Labcorp
Classification: Uncertain significance. Last evaluated: 2021-10-12. Review status: criteria provided, single submitter. Criteria: Invitae Variant Classification Sherloc (09022015). Collection method: clinical testing. Allele origin: germline.
Comment: This sequence change replaces leucine with proline at codon 1145 of the TTC37 protein (p.Leu1145Pro). The leucine residue is moderately conserved and there is a moderate physicochemical difference between leucine and proline. This variant is not present in population databases (ExAC no frequency). This variant has not been reported in the literature in individuals affected with TTC37-related conditions. Algorithms developed to predict the effect of missense changes on protein structure and function are either unavailable or do not agree on the potential impact of this missense change (SIFT: "Deleterious"; PolyPhen-2: "Probably Damaging"; Align-GVGD: "Class C0"). In summary, the available evidence is currently insufficient to determine the role of this variant in disease. Therefore, it has been classified as a Variant of Uncertain Significance.

NM_014639.4(SKIC3):c.3434T>C (p.Leu1145Pro)

Gene: SKIC3 (SKI3 subunit of superkiller complex; minus strand). Cytogenetic location: 5q15.
Variant type: single nucleotide variant.
Coding change: c.3434T>C on transcript NM_014639.4 (MANE Select); coding-DNA position 3434, T replaced by C.
Protein change: p.Leu1145Pro; replaces leucine 1145 with proline.
Molecular consequence: missense variant.
Genome position (GRCh38, 1-based): chr5:95,498,499, A>G on the plus strand (T>C on the coding strand, the complement: SKIC3 is on the minus strand). VCF-style: chr5-95498499-A-G. GRCh37 (hg19) VCF-style: chr5-94834203-A-G.
Other names: short protein forms L1145P.
Identifiers: ClinVar variation 1524867 (VCV001524867.6), dbSNP rs1456322781, ClinGen allele CA360450961.